The following is an entry in ClinVar:

ClinVar aggregate classification (germline): Uncertain significance. Review status: criteria provided, multiple submitters, no conflicts (2 of 4 stars). 2 submissions from 2 submitters: Uncertain significance (2). Last evaluated 2025-07-27.

Conditions:
Inborn genetic diseases. Identifiers: MedGen C0950123, MeSH D030342.

Allele frequency attached by ClinVar (database versions not stated): ExAC 0.00002; gnomAD exomes 0.00006; gnomAD 0.00007; TOPMed 0.00007; ESP Exome Variant Server 0.00008.
gnomAD v4.1: 95 of 1,611,144 alleles (0.0059%); highest among the groups gnomAD compares: Non-Finnish European, 0.0076%; no homozygotes.

Submissions (2):

Labcorp Genetics (formerly Invitae), Labcorp
Classification: Uncertain significance. Last evaluated: 2025-07-27. Review status: criteria provided, single submitter. Criteria: Invitae Variant Classification Sherloc (09022015). Collection method: clinical testing. Allele origin: germline.
Comment: This sequence change replaces valine, which is neutral and non-polar, with isoleucine, which is neutral and non-polar, at codon 46 of the FNIP1 protein (p.Val46Ile). This variant is present in population databases (rs368291968, gnomAD 0.006%). This variant has not been reported in the literature in individuals affected with FNIP1-related conditions. ClinVar contains an entry for this variant (Variation ID: 2193324). An algorithm developed to predict the effect of missense changes on protein structure and function (PolyPhen-2) suggests that this variant is likely to be disruptive. In summary, the available evidence is currently insufficient to determine the role of this variant in disease. Therefore, it has been classified as a Variant of Uncertain Significance.

Ambry Genetics
Classification: Uncertain significance for Inborn genetic diseases. Last evaluated: 2021-08-02. Review status: criteria provided, single submitter. Criteria: Ambry Variant Classification Scheme 2023. Collection method: clinical testing. Allele origin: germline.

NM_133372.3(FNIP1):c.136G>A (p.Val46Ile)

Gene: FNIP1 (folliculin interacting protein 1; minus strand). Cytogenetic location: 5q31.1.
Variant type: single nucleotide variant.
Coding change: c.136G>A on transcript NM_133372.3 (MANE Select); coding-DNA position 136, G replaced by A.
Protein change: p.Val46Ile; replaces valine 46 with isoleucine.
Molecular consequence: missense variant.
Genome position (GRCh38, 1-based): chr5:131,744,647, C>T on the plus strand (G>A on the coding strand, the complement: FNIP1 is on the minus strand). VCF-style: chr5-131744647-C-T. GRCh37 (hg19) VCF-style: chr5-131080340-C-T.
Other names: c.136G>A, p.Val46Ile (NM_001008738.3, NM_001346113.2, NM_001346114.2); short protein forms V46I.
Identifiers: ClinVar variation 2193324 (VCV002193324.3), dbSNP rs368291968, ClinGen allele CA3401027.
Genomic context (GRCh38, chr5:131,744,647, plus strand): 5'-TTCTCTTAACACTGGAGTCAAACAAAACATTTCTCCCTCGTCTTTCACAGTCTTGATATA[C>T]AATCAGTCGAATCTGGCTTGGATCAAACTCTGGTAAAGGCCAACTTGAAAGAAAAGTAAG-3'
Protein context (NP_588613.3, residues 36-56): EFDPSQIRLI[Val46Ile]YQDCERRGRN